The following is an entry in ClinVar:

NM_025152.3(NUBPL):c.815-84T>G

Gene: NUBPL (NUBP iron-sulfur cluster assembly factor, mitochondrial; plus strand). Cytogenetic location: 14q12.
Variant type: single nucleotide variant.
Coding change: c.815-84T>G on transcript NM_025152.3 (MANE Select); 84 bases into the intron before coding-DNA position 815, T replaced by G.
Molecular consequence: intron variant.
Genome position (GRCh38, 1-based): chr14:31,850,035, T>G. VCF-style: chr14-31850035-T-G. GRCh37 (hg19) VCF-style: chr14-32319241-T-G.
Other names: c.527-84T>G (NM_001201573.2); c.266-84T>G (NM_001201574.2).
Identifiers: ClinVar variation 671669 (VCV000671669.2), dbSNP rs8009753, ClinGen allele CA15832405.

ClinVar aggregate classification (germline): Benign. Review status: criteria provided, multiple submitters, no conflicts (2 of 4 stars). 2 submissions from 2 submitters: Benign (2). Last evaluated 2018-06-14.

Allele frequency attached by ClinVar (database versions not stated): gnomAD exomes 0.15343; 1000 Genomes Project 0.24361; 1000 Genomes Project 30x 0.25453; gnomAD 0.26172 and 0.27391; TOPMed 0.27977.
gnomAD v4.1: 170,928 of 1,001,254 alleles (17%); highest among the groups gnomAD compares: African/African-American, 56%; 20,768 homozygotes.

Submissions (2):

GeneDx
Classification: Benign. Last evaluated: 2018-06-14. Review status: criteria provided, single submitter. Criteria: GeneDx Variant Classification (06012015). Collection method: clinical testing. Allele origin: germline. Affected: yes.
Comment: This variant is considered likely benign or benign based on one or more of the following criteria: it is a conservative change, it occurs at a poorly conserved position in the protein, it is predicted to be benign by multiple in silico algorithms, and/or has population frequency not consistent with disease.

Breakthrough Genomics
Classification: Benign. Review status: criteria provided, single submitter. Criteria: ACMG Guidelines, 2015. Collection method: not provided. Allele origin: germline. Inheritance: Autosomal recessive inheritance. Affected: yes.